The following is an entry in ClinVar:

ClinVar aggregate classification (germline): Benign/Likely benign. Review status: criteria provided, multiple submitters, no conflicts (2 of 4 stars). 16 submissions from 16 submitters: Benign (6); Likely benign (6). 4 of the submissions do not count toward it. Last evaluated 2026-02-04.

Conditions:
Hereditary cancer-predisposing syndrome. Also called: Neoplastic Syndromes, Hereditary; Hereditary Cancer Syndrome; Tumor predisposition; Hereditary neoplastic syndrome. Identifiers: Orphanet 140162, MedGen C0027672, MeSH D009386, MONDO:0015356.
Fanconi anemia (FA). Also called: Fanconi's anemia. Identifiers: Orphanet 84, MedGen C0015625, MeSH D005199, MONDO:0019391.
Fanconi anemia complementation group C (FANCC). Also called: FANCONI PANCYTOPENIA, TYPE 3; FACC; FANCC-Related Fanconi Anemia; Fanconi anemia, group C. Identifiers: Orphanet 84, MedGen C3468041, MONDO:0009213, OMIM 227645.
Fanconi anemia complementation group A (FANCA). Also called: FANCA-Related Fanconi Anemia; Fanconi anemia, group A. Identifiers: Orphanet 84, MedGen C3469521, MONDO:0009215, OMIM 227650.
Malignant tumor of breast. Also called: Malignant breast neoplasm; Cancer breast. Identifiers: MedGen C0006142, MONDO:0007254. Disease mechanism: loss of function.

Allele frequency attached by ClinVar (database versions not stated): gnomAD 0.00328 and 0.00361; ExAC 0.00099; 1000 Genomes Project 30x 0.00203; gnomAD exomes 0.00034 and 0.00083; 1000 Genomes Project 0.00160; ESP Exome Variant Server 0.00331; TOPMed 0.00339.
gnomAD v4.1: 1,038 of 1,614,178 alleles (0.064%); highest among the groups gnomAD compares: African/African-American, 1.1%; 3 homozygotes.

Submissions (16):

Labcorp Genetics (formerly Invitae), Labcorp
Classification: Benign for Fanconi anemia. Last evaluated: 2026-02-04. Review status: criteria provided, single submitter. Criteria: Invitae Variant Classification Sherloc (09022015). Collection method: clinical testing. Allele origin: germline.

Quest Diagnostics Nichols Institute San Juan Capistrano
Classification: Benign. Last evaluated: 2025-08-26. Review status: criteria provided, single submitter. Criteria: Quest Diagnostics criteria. Collection method: clinical testing. Allele origin: unknown.

CeGaT Center for Human Genetics Tuebingen
Classification: Likely benign. Last evaluated: 2025-08-01. Review status: criteria provided, single submitter. Criteria: CeGaT Center For Human Genetics Tuebingen Variant Classification Criteria Version 2. Collection method: clinical testing. Allele origin: germline. Affected: yes. Observed: 3 variant alleles.
Comment: FANCC: BP4, BS1

Blueprint Genetics
Classification: Likely benign. Last evaluated: 2024-06-19. Review status: criteria provided, single submitter. Criteria: ACMG Guidelines, 2015. Collection method: clinical testing. Allele origin: germline.

KCCC/NGS Laboratory, Kuwait Cancer Control Center
Classification: Benign for Fanconi anemia complementation group C. Last evaluated: 2023-07-07. Review status: criteria provided, single submitter. Criteria: ACMG Guidelines, 2015. Collection method: clinical testing. Allele origin: germline. Affected: yes.

Mendelics
Classification: Likely benign for Fanconi anemia complementation group A. Last evaluated: 2019-05-28. Review status: criteria provided, single submitter. Criteria: Mendelics Assertion Criteria 2017. Collection method: clinical testing. Allele origin: unknown.

Ambry Genetics
Classification: Likely benign for Hereditary cancer-predisposing syndrome. Last evaluated: 2018-12-05. Review status: criteria provided, single submitter. Criteria: Ambry Variant Classification Scheme 2023. Collection method: clinical testing. Allele origin: germline.

Genetic Services Laboratory, University of Chicago
Classification: Benign. Last evaluated: 2018-08-14. Review status: criteria provided, single submitter. Criteria: ACMG Guidelines, 2015. Collection method: clinical testing. Allele origin: germline. Affected: no.

Illumina Laboratory Services, Illumina
Classification: Likely benign for Fanconi anemia complementation group C. Last evaluated: 2018-01-13. Review status: criteria provided, single submitter. Criteria: ICSL Variant Classification Criteria 13 December 2019. Collection method: clinical testing. Allele origin: germline.
Comment: This variant was observed in the ICSL laboratory as part of a predisposition screen in an ostensibly healthy population. It had not been previously curated by ICSL or reported in the Human Gene Mutation Database (HGMD: prior to June 1st, 2018), and was therefore a candidate for classification through an automated scoring system. Utilizing variant allele frequency, disease prevalence and penetrance estimates, and inheritance mode, an automated score was calculated to assess if this variant is too frequent to cause the disease. Based on the score and internal cut-off values, a variant classified as likely benign is not then subjected to further curation. The score for this variant resulted in a classification of likely benign for this disease.

Women's Health and Genetics/Laboratory Corporation of America, LabCorp
Classification: Benign. Last evaluated: 2016-04-29. Review status: criteria provided, single submitter. Criteria: LabCorp Variant Classification Summary - May 2015. Collection method: clinical testing. Allele origin: germline.
Comment: Variant summary: The c.1394A>G variant affects a non-conserved nucleotide, resulting in amino acid change from Gln to Arg. 5/5 in-silico tools predict benign outcome for this variant. This variant is found in 120/120326 control chromosomes at a frequency of 0.0009973, predominantly observed in African subpopulation in ExAC with observed MAF of 1%. This frequency exceeds the maximal expected frequency of a pathogenic allele (0.0017678), suggesting this variant is likely a benign polymorphism especially for Africans. This variant has been reported in the literature (Gibson_1996) in both cohorts of affected and control individuals and was classified by authors as a polymorphism. One patients unaffected parent who was obligated heterozygous carrier was genotyped to be homozygote for this variant, further supporting the neutral effect of this variant. In addition, multiple clinical laboratory/reputable database classified this variant as benign/likely benign, without evidence to independently evaluate. Taken together, the variant was classified as Benign.

GeneDx
Classification: Benign. Last evaluated: 2014-01-08. Review status: criteria provided, single submitter. Criteria: GeneDx Variant Classification (06012015). Collection method: clinical testing. Allele origin: germline. Affected: yes.
Comment: This variant is considered likely benign or benign based on one or more of the following criteria: it is a conservative change, it occurs at a poorly conserved position in the protein, it is predicted to be benign by multiple in silico algorithms, and/or has population frequency not consistent with disease.

Breakthrough Genomics
Classification: Likely benign. Review status: criteria provided, single submitter. Criteria: ACMG Guidelines, 2015. Collection method: not provided. Allele origin: germline. Inheritance: Autosomal recessive inheritance. Affected: yes.

Natera, Inc.
Classification: Likely benign for Fanconi anemia, group C. Last evaluated: 2020-04-12. Review status: no assertion criteria provided. Collection method: clinical testing. Allele origin: germline. Not counted in ClinVar's aggregate classification.

Leiden Open Variation Database
Classification: Uncertain significance. Last evaluated: 2020-02-28. Review status: no assertion criteria provided. Collection method: curation. Allele origin: germline. Affected: yes. Not counted in ClinVar's aggregate classification.
Comment: Curator: Arleen D. Auerbach. Submitter to LOVD: Arleen D. Auerbach.

ITMI
No classification provided. Condition: AllHighlyPenetrant. Last evaluated: 2013-09-19. Review status: no classification provided. Collection method: reference population. Allele origin: germline. Not counted in ClinVar's aggregate classification.
Comment: Please see associated publication for description of ethnicities

Department of Pathology and Laboratory Medicine, Sinai Health System
Classification: Benign for Malignant tumor of breast. Review status: no assertion criteria provided. Collection method: clinical testing. Allele origin: unknown. Affected: yes. Study: The Canadian Open Genetics Repository (COGR). Not counted in ClinVar's aggregate classification.
Comment: The FANCC p.Gln465Arg variant was identified in 1 of 194 proband chromosomes (frequency: 0.01546) from individuals or families with Fanconi Anemia (Gibson_1996_8844212). In this study of Fanconi Anemia patients, the p.Gln465Arg variant was also found to be homozygous in an unaffected individual, and was classified by the authors as a polymorphism (Gibson_1996_8844212). The variant was also identified in dbSNP (ID: rs1800368) as â€šÃ„ÃºWith other alleleâ€šÃ„Ã¹, ClinVar (as benign by GeneDx, Invitae, and Laboratory Corporation of America, and as likely benign by Genetic Services Laboratory University of Chicago, and Ambry Genetics), Clinvitae (as in ClinVar), and LOVD 3.0 databases. The variant was not identified in Cosmic and MutDB databases. The variant was identified in control databases in 301 of 277086 chromosomes at a frequency of 0.001086 increasing the likelihood this could be a low frequency benign variant (Genome Aggregation Database Feb 27, 2017). Breakdown of the observations by population include African in 261 of 24026 chromosomes (freq: 0.01086), Other in 2 of 6458 chromosomes (freq: 0.00031), Latino in 25 of 34414 chromosomes (freq: 0.000726), European (Non-Finnish) in 4 of 126630 chromosomes (freq: 0.000032), and South Asian in 9 of 30764 chromosomes (freq: 0.000293), while the variant was not observed in the Ashkenazi Jewish, East Asian, and European (Finnish) populations. The p.Gln465 residue is not conserved in mammals and the variant amino acid Arginine (Arg) is present in Rhesus macaques, increasing the likelihood that this variant does not have clinical significance. In addition, 5/5 computational analyses (PolyPhen-2, SIFT, AlignGVGD, BLOSUM, MutationTaster) do not suggest a high likelihood of impact to the protein; however, this information is not predictive enough to rule out pathogenicity. The variant occurs outside of the splicing consensus sequence and in silico or computational prediction software programs (SpliceSiteFinder, MaxEntScan, NNSPLICE, GeneSplicer, HumanSpliceFinder) do not predict a difference in splicing. In summary, based on the above information this variant meets our laboratory's criteria to be classified as benign.

Literature cited by the submitters: PubMed 24728327 (cited by Quest Diagnostics Nichols Institute San Juan Capistrano and ITMI); PubMed 8844212 (cited by 3 submitters); PubMed 08844212 (cited by Leiden Open Variation Database).

NM_000136.3(FANCC):c.1394A>G (p.Gln465Arg)

Genes: AOPEP (aminopeptidase O (putative); plus strand), FANCC (FA complementation group C; minus strand). Cytogenetic location: 9q22.32.
Variant type: single nucleotide variant.
Coding change: c.1394A>G on transcript NM_000136.3 (MANE Select); coding-DNA position 1394, A replaced by G.
Protein change: p.Gln465Arg; replaces glutamine 465 with arginine.
Molecular consequence: missense variant.
Genome position (GRCh38, 1-based): chr9:95,107,205, T>C on the plus strand (A>G on the coding strand, the complement: FANCC is on the minus strand). VCF-style: chr9-95107205-T-C. GRCh37 (hg19) VCF-style: chr9-97869487-T-C.
Other names: p.Q465R:CAG>CGG; c.1394A>G, p.Gln465Arg (NM_001243743.2); short protein forms Q465R.
Identifiers: ClinVar variation 134297 (VCV000134297.47), dbSNP rs1800368, ClinGen allele CA159390.